The following is an entry in ClinVar:

NM_005546.4(ITK):c.49C>T (p.Gln17Ter)

Gene: ITK (IL2 inducible T cell kinase; plus strand). Cytogenetic location: 5q33.3.
Variant type: single nucleotide variant.
Coding change: c.49C>T on transcript NM_005546.4 (MANE Select); coding-DNA position 49, C replaced by T.
Protein change: p.Gln17Ter; replaces glutamine 17 with a stop codon.
Molecular consequence: nonsense.
Genome position (GRCh38, 1-based): chr5:157,181,026, C>T. VCF-style: chr5-157181026-C-T. GRCh37 (hg19) VCF-style: chr5-156608037-C-T.
Other names: short protein forms Q17*.
Identifiers: ClinVar variation 1456681 (VCV001456681.6), dbSNP rs781686293, ClinGen allele CA3532612.
Genomic context (GRCh38, chr5:157,181,026, plus strand): 5'-AAGAACTGGATCATGAACAACTTTATCCTCCTGGAAGAACAGCTCATCAAGAAATCCCAA[C>T]AAAAGAGAAGAACTTCTCCCTCGAACTTTAAAGTCCGCTTCTTTGTGTTAACCAAAGCCA-3'

ClinVar aggregate classification (germline): Pathogenic (1 of 4 stars; one submission).

Conditions:
Lymphoproliferative syndrome 1 (LPFS1). Identifiers: Orphanet 238505, Orphanet 538963, MedGen C3552634, MONDO:0013081, OMIM 613011.

Allele frequency attached by ClinVar (database versions not stated): gnomAD exomes below 0.00001; ExAC 0.00001.

Submission:

Labcorp Genetics (formerly Invitae), Labcorp
Classification: Pathogenic for Lymphoproliferative syndrome 1. Last evaluated: 2021-08-10. Review status: criteria provided, single submitter. Criteria: Invitae Variant Classification Sherloc (09022015). Collection method: clinical testing. Allele origin: germline.
Comment: For these reasons, this variant has been classified as Pathogenic. This premature translational stop signal has been observed in individual(s) with EBV-associated lymphoma and/or ITK deficiency (PMID: 25339095, 26056787). This variant is present in population databases (rs781686293, ExAC 0.009%). This sequence change creates a premature translational stop signal (p.Gln17*) in the ITK gene. It is expected to result in an absent or disrupted protein product. Loss-of-function variants in ITK are known to be pathogenic (PMID: 16860760, 22289921, 26056787).

Literature cited by the submitters: PubMed 25339095; PubMed 26056787; PubMed 16860760; PubMed 22289921.